The following is an entry in ClinVar:

ClinVar aggregate classification (germline): Likely benign. Review status: criteria provided, multiple submitters, no conflicts (2 of 4 stars). 2 submissions from 2 submitters: Likely benign (2). Last evaluated 2026-04-13.

Conditions:
DICER1-related tumor predisposition. Also called: DICER1-related pleuropulmonary blastoma cancer predisposition syndrome; DICER1 syndrome. Identifiers: Orphanet 284343, MedGen C3839822, MONDO:0100216.

Submissions (2):

Myriad Genetics, Inc.
Classification: Likely benign for DICER1-related tumor predisposition. Last evaluated: 2026-04-13. Review status: criteria provided, single submitter. Criteria: Myriad Autosomal Dominant, Autosomal Recessive and X-Linked Classification Criteria (2023). Collection method: clinical testing. Allele origin: unknown.
Comment: This variant is considered likely benign. This variant is intronic and is not expected to impact mRNA splicing.

Labcorp Genetics (formerly Invitae), Labcorp
Classification: Likely benign for DICER1-related tumor predisposition. Last evaluated: 2024-12-07. Review status: criteria provided, single submitter. Criteria: Invitae Variant Classification Sherloc (09022015). Collection method: clinical testing. Allele origin: germline.

NM_177438.3(DICER1):c.2805-15_2805-12del

Gene: DICER1 (dicer 1, ribonuclease III; minus strand). Cytogenetic location: 14q32.13.
Variant type: Deletion.
Coding change: c.2805-15_2805-12del on transcript NM_177438.3 (MANE Select); 15 bases into the intron before coding-DNA position 2805 through 12 bases into the intron before coding-DNA position 2805, 4 bases deleted (GTTT; older notation c.2805-15_2805-12delGTTT).
Molecular consequence: intron variant.
Genome position (GRCh38, 1-based): chr14:95,106,235-95,106,238, AAAC deleted on the plus strand (GTTT on the coding strand, the reverse complement: DICER1 is on the minus strand); deleting any 4 consecutive bases within chr14:95,106,235-95,106,241 gives the same sequence; the c. name uses the placement nearest the transcript's 3' end. VCF-style (leftmost placement, unchanged base first): chr14-95106234-AAAAC-A. GRCh37 (hg19) VCF-style: chr14-95572571-AAAAC-A.
Other names: c.2805-15_2805-12del (NM_001291628.2, NM_030621.4, NM_001271282.3 and 1 more transcripts).
Identifiers: ClinVar variation 1594709 (VCV001594709.10), dbSNP rs1195277322, ClinGen allele CA710132345.